The following is an entry in ClinVar:

NM_001374259.2(IL12RB2):c.1385_1408del (p.His462_Val469del)

Gene: IL12RB2 (interleukin 12 receptor subunit beta 2; plus strand). Cytogenetic location: 1p31.3.
Variant type: Deletion.
Coding change: c.1385_1408del on transcript NM_001374259.2 (MANE Select); coding-DNA positions 1385 to 1408, 24 bases deleted (ATCCAGGGGGTGACACACAGGTCC).
Protein change: p.His462_Val469del.
Molecular consequence: inframe deletion. On other transcripts: non-coding transcript variant (2).
Genome position (GRCh38, 1-based): chr1:67,367,951-67,367,974, ATCCAGGGGGTGACACACAGGTCC deleted; deleting any 24 consecutive bases within chr1:67,367,948-67,367,974 gives the same sequence; the c. name uses the placement nearest the transcript's 3' end. VCF-style (leftmost placement, unchanged base first): chr1-67367947-CTCCATCCAGGGGGTGACACACAGG-C. GRCh37 (hg19) VCF-style: chr1-67833630-CTCCATCCAGGGGGTGACACACAGG-C.
Other names: c.1385_1408del, p.His462_Val469del (NM_001258214.1, NM_001258215.1, NM_001258216.1 and 2 more transcripts).
Identifiers: ClinVar variation 2051303 (VCV002051303.4), dbSNP rs2523217441, ClinGen allele CA2580063191.
Genomic context (GRCh38, chr1:67,367,947, plus strand): 5'-TGGCAGCCTCCCAGGAAAGATCCCTCTGCTGTTCAGGAGTACGTGGTGGAATGGAGAGAG[CTCCATCCAGGGGGTGACACACAGG>C]TCCCTCTAAACTGGCTACGGAGTCGACCCTACAATGTGTCTGCTCTGATTTCAGGTACCT-3'

ClinVar aggregate classification (germline): Uncertain significance (1 of 4 stars; one submission).

Submission:

Labcorp Genetics (formerly Invitae), Labcorp
Classification: Uncertain significance. Last evaluated: 2021-12-21. Review status: criteria provided, single submitter. Criteria: Invitae Variant Classification Sherloc (09022015). Collection method: clinical testing. Allele origin: germline.
Comment: This variant, c.1385_1408del, results in the deletion of 8 amino acid(s) of the IL12RB2 protein (p.His462_Val469del), but otherwise preserves the integrity of the reading frame. In summary, the available evidence is currently insufficient to determine the role of this variant in disease. Therefore, it has been classified as a Variant of Uncertain Significance. Experimental studies and prediction algorithms are not available or were not evaluated, and the functional significance of this variant is currently unknown. This variant has not been reported in the literature in individuals affected with IL12RB2-related conditions. This variant is not present in population databases (gnomAD no frequency).